The following is an entry in ClinVar:

NM_000465.4(BARD1):c.637G>A (p.Glu213Lys)

Gene: BARD1 (BRCA1 associated RING domain 1; minus strand). Cytogenetic location: 2q35.
Variant type: single nucleotide variant.
Coding change: c.637G>A on transcript NM_000465.4 (MANE Select); coding-DNA position 637, G replaced by A.
Protein change: p.Glu213Lys; replaces glutamic acid 213 with lysine.
Molecular consequence: missense variant. On other transcripts: non-coding transcript variant (2), intron variant (3).
Genome position (GRCh38, 1-based): chr2:214,781,237, C>T on the plus strand (G>A on the coding strand, the complement: BARD1 is on the minus strand). VCF-style: chr2-214781237-C-T. GRCh37 (hg19) VCF-style: chr2-215645961-C-T.
Other names: c.580G>A, p.Glu194Lys (NM_001282543.2); c.158+28175G>A (NM_001282548.2); c.215+15824G>A (NM_001282545.2); c.364+11060G>A (NM_001282549.2); short protein forms E213K, E194K.
Identifiers: ClinVar variation 460757 (VCV000460757.16), dbSNP rs1553622554, ClinGen allele CA350456630.

ClinVar aggregate classification (germline): Conflicting classifications of pathogenicity. Review status: criteria provided, conflicting classifications (1 of 4 stars). 3 submissions from 3 submitters: Uncertain significance (2); Likely benign (1). Last evaluated 2025-06-20.

Conditions:
Hereditary cancer-predisposing syndrome. Also called: Neoplastic Syndromes, Hereditary; Tumor predisposition; Hereditary Cancer Syndrome; Hereditary neoplastic syndrome. Identifiers: Orphanet 140162, MedGen C0027672, MeSH D009386, MONDO:0015356.
Familial cancer of breast. Also called: BREAST CANCER, FAMILIAL; hereditary breast carcinoma; Hereditary breast cancer. Identifiers: Orphanet 227535, MedGen C0346153, MONDO:0016419, OMIM 114480. Disease mechanism: loss of function.

Submissions (3):

Ambry Genetics
Classification: Likely benign for Hereditary cancer-predisposing syndrome. Last evaluated: 2025-06-20. Review status: criteria provided, single submitter. Criteria: Ambry Variant Classification Scheme 2023. Collection method: clinical testing. Allele origin: germline.

Labcorp Genetics (formerly Invitae), Labcorp
Classification: Uncertain significance for Familial cancer of breast. Last evaluated: 2022-03-05. Review status: criteria provided, single submitter. Criteria: Invitae Variant Classification Sherloc (09022015). Collection method: clinical testing. Allele origin: germline.
Comment: This variant has not been reported in the literature in individuals affected with BARD1-related conditions. In summary, the available evidence is currently insufficient to determine the role of this variant in disease. Therefore, it has been classified as a Variant of Uncertain Significance. Algorithms developed to predict the effect of missense changes on protein structure and function output the following: SIFT: "Tolerated"; PolyPhen-2: "Benign"; Align-GVGD: "Class C0". The lysine amino acid residue is found in multiple mammalian species, which suggests that this missense change does not adversely affect protein function. ClinVar contains an entry for this variant (Variation ID: 460757). This variant is not present in population databases (gnomAD no frequency). This sequence change replaces glutamic acid, which is acidic and polar, with lysine, which is basic and polar, at codon 213 of the BARD1 protein (p.Glu213Lys).

Department of Pathology and Laboratory Medicine, Sinai Health System
Classification: Uncertain significance for Familial cancer of breast. Last evaluated: 2019-11-13. Review status: criteria provided, single submitter. Criteria: ACMG Guidelines, 2015. Collection method: clinical testing. Allele origin: germline. Affected: yes.

Literature cited by the submitters: PubMed 30982232 (cited by Ambry Genetics).